The following is an entry in ClinVar:

ClinVar aggregate classification (germline): Uncertain significance (1 of 4 stars; one submission).

Conditions:
Ectodermal dysplasia and immunodeficiency 2. Identifiers: Orphanet 238468, Orphanet 98813, MedGen C2677481, MONDO:0012806, OMIM 612132.

Submission:

Labcorp Genetics (formerly Invitae), Labcorp
Classification: Uncertain significance for Ectodermal dysplasia and immunodeficiency 2. Last evaluated: 2023-12-18. Review status: criteria provided, single submitter. Criteria: Invitae Variant Classification Sherloc (09022015). Collection method: clinical testing. Allele origin: germline.
Comment: This sequence change replaces leucine, which is neutral and non-polar, with arginine, which is basic and polar, at codon 131 of the NFKBIA protein (p.Leu131Arg). This variant is not present in population databases (gnomAD no frequency). This variant has not been reported in the literature in individuals affected with NFKBIA-related conditions. An algorithm developed to predict the effect of missense changes on protein structure and function (PolyPhen-2) suggests that this variant is likely to be disruptive. In summary, the available evidence is currently insufficient to determine the role of this variant in disease. Therefore, it has been classified as a Variant of Uncertain Significance.

NM_020529.3(NFKBIA):c.392T>G (p.Leu131Arg)

Genes: NFKBIA (NFKB inhibitor alpha; minus strand), LOC130055494 (ATAC-STARR-seq lymphoblastoid active region 8276; plus strand). Cytogenetic location: 14q13.2.
Variant type: single nucleotide variant.
Coding change: c.392T>G on transcript NM_020529.3 (MANE Select); coding-DNA position 392, T replaced by G.
Protein change: p.Leu131Arg; replaces leucine 131 with arginine.
Molecular consequence: missense variant.
Genome position (GRCh38, 1-based): chr14:35,403,305, A>C on the plus strand (T>G on the coding strand, the complement: NFKBIA is on the minus strand). VCF-style: chr14-35403305-A-C. GRCh37 (hg19) VCF-style: chr14-35872511-A-C.
Other names: short protein forms L131R.
Identifiers: ClinVar variation 2701568 (VCV002701568.3), dbSNP rs1490490081, ClinGen allele CA389453556.